The following is an entry in ClinVar:

NM_001267550.2(TTN):c.82574C>T (p.Thr27525Met)

Genes: TTN (titin; minus strand), TTN-AS1 (TTN antisense RNA 1; plus strand). Cytogenetic location: 2q31.2.
Variant type: single nucleotide variant.
Coding change: c.82574C>T on transcript NM_001267550.2 (MANE Select); coding-DNA position 82574, C replaced by T.
Protein change: p.Thr27525Met; replaces threonine 27525 with methionine.
Molecular consequence: missense variant.
Genome position (GRCh38, 1-based): chr2:178,563,558, G>A on the plus strand (C>T on the coding strand, the complement: TTN is on the minus strand). VCF-style: chr2-178563558-G-A. GRCh37 (hg19) VCF-style: chr2-179428285-G-A.
Other names: c.77651C>T, p.Thr25884Met (NM_001256850.1); c.55379C>T, p.Thr18460Met (NM_003319.4); c.74870C>T, p.Thr24957Met (NM_133378.4); c.55754C>T, p.Thr18585Met (NM_133432.3); c.55955C>T, p.Thr18652Met (NM_133437.4); short protein forms T18460M, T18585M, T18652M, T24957M, T25884M, T27525M.
Identifiers: ClinVar variation 1307179 (VCV001307179.4), dbSNP rs1321989289, ClinGen allele CA349572819.

ClinVar aggregate classification (germline): Conflicting classifications of pathogenicity. Review status: criteria provided, conflicting classifications (1 of 4 stars). 2 submissions from 2 submitters: Uncertain significance (1); Likely benign (1). Last evaluated 2020-09-28.

Conditions:
Cardiovascular phenotype. Identifiers: MedGen CN230736.

Allele frequency attached by ClinVar (database versions not stated): gnomAD exomes below 0.00001; TOPMed 0.00001.
gnomAD v4.1: 7 of 1,613,766 alleles (0.00043%); highest among the groups gnomAD compares: East Asian, 0.0045%; no homozygotes.

Submissions (2):

Ambry Genetics
Classification: Likely benign for Cardiovascular phenotype. Last evaluated: 2020-09-28. Review status: criteria provided, single submitter. Criteria: Ambry Variant Classification Scheme 2023. Collection method: clinical testing. Allele origin: germline.

GeneDx
Classification: Uncertain significance. Last evaluated: 2019-07-22. Review status: criteria provided, single submitter. Criteria: GeneDx Variant Classification Process June 2021. Collection method: clinical testing. Allele origin: germline. Affected: yes.
Comment: Not observed at a significant frequency in large population cohorts (Lek et al., 2016); Missense variant in a gene in which most reported pathogenic variants are truncating/loss-of-function; Has not been previously published as pathogenic or benign to our knowledge